The following is an entry in ClinVar:

ClinVar aggregate classification (germline): Pathogenic. Review status: criteria provided, multiple submitters, no conflicts (2 of 4 stars). 2 submissions from 2 submitters: Pathogenic (2). Last evaluated 2025-06-05.

Conditions:
Neurofibromatosis, type 1 (NF1). Also called: NEUROFIBROMATOSIS, TYPE I, SOMATIC; Peripheral type neurofibromatosis; Neurofibromatosis, type I; VON RECKLINGHAUSEN DISEASE. Identifiers: Orphanet 636, MedGen C0027831, MONDO:0018975, OMIM 162200. Disease mechanism: loss of function.

Submissions (2):

ARUP Laboratories, Molecular Genetics and Genomics, ARUP Laboratories
Classification: Pathogenic. Last evaluated: 2025-06-05. Review status: criteria provided, single submitter. Criteria: ARUP Molecular Germline Variant Investigation Process 2024. Collection method: clinical testing. Allele origin: germline.
Comment: The NF1 c.3143G>A; p.Trp1048Ter variant, to our knowledge, is not reported in the medical literature but is reported in ClinVar (Variation ID: 1406314). This variant is absent from the Genome Aggregation Database (v2.1.1), indicating it is not a common polymorphism. This variant induces an early termination codon and is predicted to result in a truncated protein or mRNA subject to nonsense-mediated decay. Additionally, another variant at this codon leading to the same nonsense change (c.3144G>A; p.Trp1048Ter) has been reported in individuals with features of neurofibromatosis type 1 and is considered disease-causing (Kang 2020, Yao 2021). Based on available information, the c.3143G>A; p.Trp1048Ter variant is considered to be pathogenic. References: Kang et al. Phenotype categorization of neurofibromatosis type I and correlation to NF1 mutation types. J Hum Genet. 2020 Jan;65(2):79-89. PMID: 31776437. Yao R et al. Genetic Diagnosis Spectrum and Multigenic Burden of Exome-Level Rare Variants in a Childhood Epilepsy Cohort. Front Genet. 2021 Dec 21;12:782419. PMID: 34992632.

Labcorp Genetics (formerly Invitae), Labcorp
Classification: Pathogenic for Neurofibromatosis, type 1. Last evaluated: 2024-11-13. Review status: criteria provided, single submitter. Criteria: Invitae Variant Classification Sherloc (09022015). Collection method: clinical testing. Allele origin: germline.
Comment: This sequence change creates a premature translational stop signal (p.Trp1048*) in the NF1 gene. It is expected to result in an absent or disrupted protein product. Loss-of-function variants in NF1 are known to be pathogenic (PMID: 10712197, 23913538). This variant is not present in population databases (gnomAD no frequency). This variant has not been reported in the literature in individuals affected with NF1-related conditions. ClinVar contains an entry for this variant (Variation ID: 1406314). Algorithms developed to predict the effect of sequence changes on RNA splicing suggest that this variant may disrupt the consensus splice site. For these reasons, this variant has been classified as Pathogenic.

Literature cited by the submitters: PubMed 10712197 (cited by Labcorp Genetics (formerly Invitae), Labcorp); PubMed 23913538 (cited by Labcorp Genetics (formerly Invitae), Labcorp).

NM_001042492.3(NF1):c.3143G>A (p.Trp1048Ter)

Gene: NF1 (neurofibromin 1; plus strand). Cytogenetic location: 17q11.2.
Variant type: single nucleotide variant.
Coding change: c.3143G>A on transcript NM_001042492.3 (MANE Select); coding-DNA position 3143, G replaced by A.
Protein change: p.Trp1048Ter; replaces tryptophan 1048 with a stop codon.
Molecular consequence: nonsense.
Genome position (GRCh38, 1-based): chr17:31,230,871, G>A. VCF-style: chr17-31230871-G-A. GRCh37 (hg19) VCF-style: chr17-29557889-G-A.
Other names: c.3143G>A, p.Trp1048Ter (NM_000267.4); short protein forms W1048*.
Identifiers: ClinVar variation 1406314 (VCV001406314.8), dbSNP rs2151432418, ClinGen allele CA398987983.
Genomic context (GRCh38, chr17:31,230,871, plus strand): 5'-TGCTGTTTCTCTTTTCTCCACCATTCTATAGGAATAAGATGGTAGAATACCTGACAGACT[G>A]GGTTATGGGAACATCAAACCAAGCAGCAGATGATGATGTAAAATGTCTTACAAGGTAAAA-3'